The following is an entry in ClinVar:

NM_003737.4(DCHS1):c.1609G>T (p.Asp537Tyr)

Gene: DCHS1 (dachsous cadherin-related 1; minus strand). Cytogenetic location: 11p15.4.
Variant type: single nucleotide variant.
Coding change: c.1609G>T on transcript NM_003737.4 (MANE Select); coding-DNA position 1609, G replaced by T.
Protein change: p.Asp537Tyr; replaces aspartic acid 537 with tyrosine.
Molecular consequence: missense variant.
Genome position (GRCh38, 1-based): chr11:6,640,005, C>A on the plus strand (G>T on the coding strand, the complement: DCHS1 is on the minus strand). VCF-style: chr11-6640005-C-A. GRCh37 (hg19) VCF-style: chr11-6661236-C-A.
Other names: short protein forms D537Y.
Identifiers: ClinVar variation 3600487 (VCV003600487.1).
Genomic context (GRCh38, chr11:6,640,005, plus strand): 5'-GGGGCAGGCCACCATCTGTGGCCACCACAATCAGCTGTGGCTGAGGTTCCAACTCATAGT[C>A]CAGTGAGGCAGCCGTAGTGATAATGCCTGAGGTGGGGTCAATGGAGAACCAGTGGGTGTG-3'
Protein context (NP_003728.1, residues 527-547): SGIITTAASL[Asp537Tyr]YELEPQPQLI

ClinVar aggregate classification (germline): Uncertain significance (1 of 4 stars; one submission).

Conditions:
Van Maldergem syndrome 1 (VMLDS1). Also called: Van Maldergem syndrome 1 (VMLDS1). Identifiers: Orphanet 314679, MedGen C4551950, MONDO:0011070, OMIM 601390.

Submission:

Clinical Genomics Laboratory, Washington University in St. Louis
Classification: Uncertain significance for Van Maldergem syndrome 1. Last evaluated: 2024-11-25. Review status: criteria provided, single submitter. Criteria: ACMG Guidelines, 2015. Collection method: clinical testing. Allele origin: germline.
Comment: A DCHS1 c.1609G>T (p.Asp537Tyr) variant was identified at a heterozygous allelic fraction of 51.3%, a frequency that may be consistent with germline origin. This variant, to our knowledge, has not been reported in the medical literature. It is only observed on 2/1,613,914 alleles in the general population (gnomAD v.4.1.0), indicating it is not a common variant. Computational predictors indicate that the variant is damaging, evidence that correlates with impact on DCHS1 function. Due to limited information, and based on ACMG/AMP guidelines for variant interpretation (Richards S et al., PMID: 25741868), the clinical significance of this variant is uncertain at this time.